The following is an entry in ClinVar:

ClinVar aggregate classification (germline): Uncertain significance. Review status: criteria provided, multiple submitters, no conflicts (2 of 4 stars). 2 submissions from 2 submitters: Uncertain significance (2). Last evaluated 2026-02-15.

Conditions:
Capillary malformation-arteriovenous malformation syndrome. Also called: Capillary malformation-arteriovenous malformation. Identifiers: Orphanet 137667, MedGen C1842180, MONDO:0012016.
Cardiovascular phenotype. Identifiers: MedGen CN230736.

Allele frequency attached by ClinVar (database versions not stated): gnomAD exomes below 0.00001; ExAC 0.00001.
gnomAD v4.1: 2 of 1,603,646 alleles (0.00012%); highest among the groups gnomAD compares: Non-Finnish European, 0.00017%; no homozygotes.

Submissions (2):

Ambry Genetics
Classification: Uncertain significance for Cardiovascular phenotype. Last evaluated: 2026-02-15. Review status: criteria provided, single submitter. Criteria: Ambry Variant Classification Scheme 2023. Collection method: clinical testing. Allele origin: germline.
Comment: The p.V625A variant (also known as c.1874T>C), located in coding exon 14 of the RASA1 gene, results from a T to C substitution at nucleotide position 1874. The valine at codon 625 is replaced by alanine, an amino acid with similar properties. This amino acid position is conserved. In addition, the in silico prediction for this alteration is inconclusive. Based on the available evidence, the clinical significance of this variant remains unclear.

Labcorp Genetics (formerly Invitae), Labcorp
Classification: Uncertain significance for Capillary malformation-arteriovenous malformation syndrome. Last evaluated: 2021-06-01. Review status: criteria provided, single submitter. Criteria: Invitae Variant Classification Sherloc (09022015). Collection method: clinical testing. Allele origin: germline.
Comment: This sequence change replaces valine with alanine at codon 625 of the RASA1 protein (p.Val625Ala). The valine residue is highly conserved and there is a small physicochemical difference between valine and alanine. In summary, the available evidence is currently insufficient to determine the role of this variant in disease. Therefore, it has been classified as a Variant of Uncertain Significance. Algorithms developed to predict the effect of missense changes on protein structure and function (SIFT, PolyPhen-2, Align-GVGD) all suggest that this variant is likely to be disruptive, but these predictions have not been confirmed by published functional studies and their clinical significance is uncertain. This variant has not been reported in the literature in individuals with RASA1-related conditions. This variant is present in population databases (rs780784579, ExAC 0.002%).

NM_002890.3(RASA1):c.1874T>C (p.Val625Ala)

Genes: CCNH (cyclin H; minus strand), RASA1 (RAS p21 protein activator 1; plus strand). Cytogenetic location: 5q14.3.
Variant type: single nucleotide variant.
Coding change: c.1874T>C on transcript NM_002890.3 (MANE Select); coding-DNA position 1874, T replaced by C.
Protein change: p.Val625Ala; replaces valine 625 with alanine.
Molecular consequence: missense variant. On other transcripts: intron variant (1).
Genome position (GRCh38, 1-based): chr5:87,374,260, T>C. VCF-style: chr5-87374260-T-C. GRCh37 (hg19) VCF-style: chr5-86670077-T-C.
Other names: c.1343T>C, p.Val448Ala (NM_022650.3); c.933+20784A>G (NM_001364075.2); short protein forms V625A, V448A.
Identifiers: ClinVar variation 1515681 (VCV001515681.9), dbSNP rs780784579, ClinGen allele CA3335862.